The following is an entry in ClinVar:

ClinVar aggregate classification (germline): Benign (0 of 4 stars; one submission).

Conditions:
CD244-related disorder. Also called: CD244-related condition.

Allele frequency attached by ClinVar (database versions not stated): TOPMed 0.00027; ESP Exome Variant Server 0.00031; gnomAD 0.00078; gnomAD exomes 0.00139; ExAC 0.00283; 1000 Genomes Project 0.00379; 1000 Genomes Project 30x 0.00390.
gnomAD v4.1: 2,152 of 1,614,104 alleles (0.13%); highest among the groups gnomAD compares: South Asian, 2%; 38 homozygotes.

Submission:

PreventionGenetics, part of Exact Sciences
Classification: Benign for CD244-related condition. Last evaluated: 2019-04-08. Review status: no assertion criteria provided. Collection method: clinical testing. Allele origin: germline.
Comment: This variant is classified as benign based on ACMG/AMP sequence variant interpretation guidelines (Richards et al. 2015 PMID: 25741868, with internal and published modifications).

NM_016382.4(CD244):c.1063C>T (p.Arg355Cys)

Gene: CD244 (CD244 molecule; minus strand). Cytogenetic location: 1q23.3.
Variant type: single nucleotide variant.
Coding change: c.1063C>T on transcript NM_016382.4 (MANE Select); coding-DNA position 1063, C replaced by T.
Protein change: p.Arg355Cys; replaces arginine 355 with cysteine.
Molecular consequence: missense variant.
Genome position (GRCh38, 1-based): chr1:160,831,382, G>A on the plus strand (C>T on the coding strand, the complement: CD244 is on the minus strand). VCF-style: chr1-160831382-G-A. GRCh37 (hg19) VCF-style: chr1-160801172-G-A.
Other names: c.1078C>T, p.Arg360Cys (NM_001166663.2); c.787C>T, p.Arg263Cys (NM_001166664.2); short protein forms R263C, R355C, R360C.
Identifiers: ClinVar variation 3037210 (VCV003037210.2), dbSNP rs140746142, ClinGen allele CA1202098.